The following is an entry in ClinVar:

NM_207391.3(RGS9BP):c.631G>T (p.Ala211Ser)

Gene: RGS9BP (regulator of G protein signaling 9 binding protein; plus strand). Cytogenetic location: 19q13.11.
Variant type: single nucleotide variant.
Coding change: c.631G>T on transcript NM_207391.3 (MANE Select); coding-DNA position 631, G replaced by T.
Protein change: p.Ala211Ser; replaces alanine 211 with serine.
Molecular consequence: missense variant.
Genome position (GRCh38, 1-based): chr19:32,676,894, G>T. VCF-style: chr19-32676894-G-T. GRCh37 (hg19) VCF-style: chr19-33167800-G-T.
Other names: short protein forms A211S.
Identifiers: ClinVar variation 2056414 (VCV002056414.4), dbSNP rs1281718297, ClinGen allele CA405187492.

ClinVar aggregate classification (germline): Uncertain significance (1 of 4 stars; one submission).

Allele frequency attached by ClinVar (database versions not stated): gnomAD 0.00001.

Submission:

Labcorp Genetics (formerly Invitae), Labcorp
Classification: Uncertain significance. Last evaluated: 2022-01-02. Review status: criteria provided, single submitter. Criteria: Invitae Variant Classification Sherloc (09022015). Collection method: clinical testing. Allele origin: germline.
Comment: This sequence change replaces alanine, which is neutral and non-polar, with serine, which is neutral and polar, at codon 211 of the RGS9BP protein (p.Ala211Ser). The frequency data for this variant in the population databases is considered unreliable, as metrics indicate poor data quality at this position in the gnomAD database. This variant has not been reported in the literature in individuals affected with RGS9BP-related conditions. Algorithms developed to predict the effect of missense changes on protein structure and function are either unavailable or do not agree on the potential impact of this missense change (SIFT: "Deleterious"; PolyPhen-2: "Benign"; Align-GVGD: "Class C15"). In summary, the available evidence is currently insufficient to determine the role of this variant in disease. Therefore, it has been classified as a Variant of Uncertain Significance.